The following is an entry in ClinVar:

NM_175914.5(HNF4A):c.*155G>A

Gene: HNF4A (hepatocyte nuclear factor 4 alpha; plus strand). Cytogenetic location: 20q13.12.
Variant type: single nucleotide variant.
Coding change: c.*155G>A on transcript NM_175914.5 (MANE Select); 155 bases downstream of the stop codon, G replaced by A.
Molecular consequence: 3 prime UTR variant.
Genome position (GRCh38, 1-based): chr20:44,429,820, G>A. VCF-style: chr20-44429820-G-A. GRCh37 (hg19) VCF-style: chr20-43058460-G-A.
Other names: c.*155G>A (NM_000457.6, NM_001030003.3, NM_001258355.2 and 3 more transcripts).
Identifiers: ClinVar variation 338433 (VCV000338433.8), dbSNP rs41280258, ClinGen allele CA10653116.

ClinVar aggregate classification (germline): Benign. Review status: criteria provided, multiple submitters, no conflicts (2 of 4 stars). 5 submissions from 4 submitters: Benign (5). Last evaluated 2018-08-12.

Conditions:
Maturity-onset diabetes of the young type 1. Also called: MILD JUVENILE DIABETES MELLITUS; MODY, type I; MODY type 1; Diabetes mellitus MODY type 1; MODY HNF4A related; HNF4A-Related Maturity-Onset Diabetes of the Young Type 1. Identifiers: Orphanet 552, MedGen C1852093, MONDO:0007452, OMIM 125850. Disease mechanism: loss of function.
Maturity-onset diabetes of the young (MODY). Also called: Maturity onset diabetes mellitus in young. Identifiers: Orphanet 552, MedGen C0342276, MONDO:0018911, HP:0004904.
Familial hyperinsulinism. Also called: Congenital hyperinsulinism. Identifiers: Orphanet 276525, MedGen C3888018, MONDO:0017182. Disease mechanism: loss of function.

Allele frequency attached by ClinVar (database versions not stated): TOPMed 0.00958; gnomAD 0.01170 and 0.01524; gnomAD exomes 0.02515; 1000 Genomes Project 30x 0.03670; 1000 Genomes Project 0.03754.
gnomAD v4.1: 17,273 of 751,232 alleles (2.3%); highest among the groups gnomAD compares: South Asian, 11%; 584 homozygotes.

Submissions (5):

GeneDx
Classification: Benign. Last evaluated: 2018-08-12. Review status: criteria provided, single submitter. Criteria: GeneDx Variant Classification Process June 2021. Collection method: clinical testing. Allele origin: germline. Affected: yes.

Illumina Laboratory Services, Illumina
Classification: Benign for Familial hyperinsulinism. Last evaluated: 2018-01-13. Review status: criteria provided, single submitter. Criteria: ICSL Variant Classification Criteria 13 December 2019. Collection method: clinical testing. Allele origin: germline.
Comment: This variant was observed in the ICSL laboratory as part of a predisposition screen in an ostensibly healthy population. It had not been previously curated by ICSL or reported in the Human Gene Mutation Database (HGMD: prior to June 1st, 2018), and was therefore a candidate for classification through an automated scoring system. Utilizing variant allele frequency, disease prevalence and penetrance estimates, and inheritance mode, an automated score was calculated to assess if this variant is too frequent to cause the disease. Based on the score and internal cut-off values, a variant classified as benign is not then subjected to further curation. The score for this variant resulted in a classification of benign for this disease.

Illumina Laboratory Services, Illumina
Classification: Benign for Maturity-onset diabetes of the young type 1. Last evaluated: 2018-01-13. Review status: criteria provided, single submitter. Criteria: ICSL Variant Classification Criteria 13 December 2019. Collection method: clinical testing. Allele origin: germline.
Comment: the same text as in the submission from Illumina Laboratory Services, Illumina above.

Breakthrough Genomics
Classification: Benign. Review status: criteria provided, single submitter. Criteria: ACMG Guidelines, 2015. Collection method: not provided. Allele origin: germline. Inheritance: Autosomal dominant inheritance. Affected: yes.

Clinical Genomics, Uppaluri K&H Personalized Medicine Clinic
Classification: Benign for Maturity-onset diabetes of the young. Review status: criteria provided, single submitter. Criteria: K & H Uppaluri Personalized Medicine Clinic Variant Classification & Assertion Criteria_Updated V.1. Collection method: research. Allele origin: unknown. Inheritance: Autosomal dominant inheritance.
Comment: Potent mutations in HNF4A are associated with poor insulin secretion in response to hyperglycemia. Associated with MODY1. Patients initially respond well to sulfonylureas but eventually become insulin dependent. However, more evidence is required to ascertain the role of this particular variant rs41280258 in MODY, yet.

Literature cited by the submitters: DOI 10.1159/000334532 (cited by Clinical Genomics, Uppaluri K&H Personalized Medicine Clinic); PubMed 18268044 (cited by Clinical Genomics, Uppaluri K&H Personalized Medicine Clinic); PubMed 17563455 (cited by Clinical Genomics, Uppaluri K&H Personalized Medicine Clinic); PubMed 32583173 (cited by Clinical Genomics, Uppaluri K&H Personalized Medicine Clinic); PubMed 35052457 (cited by Clinical Genomics, Uppaluri K&H Personalized Medicine Clinic); PubMed 35118593 (cited by Clinical Genomics, Uppaluri K&H Personalized Medicine Clinic).